The following is an entry in ClinVar:

ClinVar aggregate classification (germline): Conflicting classifications of pathogenicity. Review status: criteria provided, conflicting classifications (1 of 4 stars). 2 submissions from 2 submitters: Uncertain significance (1); Likely benign (1). Last evaluated 2025-12-26.

Conditions:
Noonan syndrome 9 (NS9). Identifiers: Orphanet 648, MedGen C4225282, MONDO:0014691, OMIM 616559.
Cardiovascular phenotype. Identifiers: MedGen CN230736.

Allele frequency attached by ClinVar (database versions not stated): ExAC 0.00001; gnomAD exomes 0.00002; gnomAD 0.00003 and 0.00004; TOPMed 0.00003.
gnomAD v4.1: 42 of 1,613,298 alleles (0.0026%); highest among the groups gnomAD compares: Non-Finnish European, 0.0032%; no homozygotes.

Submissions (2):

Labcorp Genetics (formerly Invitae), Labcorp
Classification: Likely benign for Noonan syndrome 9. Last evaluated: 2025-12-26. Review status: criteria provided, single submitter. Criteria: Invitae Variant Classification Sherloc (09022015). Collection method: clinical testing. Allele origin: germline.

Ambry Genetics
Classification: Uncertain significance for Cardiovascular phenotype. Last evaluated: 2024-03-21. Review status: criteria provided, single submitter. Criteria: Ambry Variant Classification Scheme 2023. Collection method: clinical testing. Allele origin: germline.
Comment: The p.E1225Q variant (also known as c.3673G>C), located in coding exon 23 of the SOS2 gene, results from a G to C substitution at nucleotide position 3673. The glutamic acid at codon 1225 is replaced by glutamine, an amino acid with highly similar properties. This amino acid position is conserved. In addition, the in silico prediction for this alteration is inconclusive. Based on the available evidence, the clinical significance of this alteration remains unclear.

NM_006939.4(SOS2):c.3673G>C (p.Glu1225Gln)

Gene: SOS2 (SOS Ras/Rho guanine nucleotide exchange factor 2; minus strand). Cytogenetic location: 14q21.3.
Variant type: single nucleotide variant.
Coding change: c.3673G>C on transcript NM_006939.4 (MANE Select); coding-DNA position 3673, G replaced by C.
Protein change: p.Glu1225Gln; replaces glutamic acid 1225 with glutamine.
Molecular consequence: missense variant.
Genome position (GRCh38, 1-based): chr14:50,118,670, C>G on the plus strand (G>C on the coding strand, the complement: SOS2 is on the minus strand). VCF-style: chr14-50118670-C-G. GRCh37 (hg19) VCF-style: chr14-50585388-C-G.
Other names: c.3673G>C (NM_006939.2); short protein forms E1225Q.
Identifiers: ClinVar variation 1355420 (VCV001355420.8), dbSNP rs769329817, ClinGen allele CA7176729.